The following is an entry in ClinVar:

NM_001015880.2(PAPSS2):c.1325del (p.Pro442fs)

Gene: PAPSS2 (3'-phosphoadenosine 5'-phosphosulfate synthase 2; plus strand). Cytogenetic location: 10q23.31.
Variant type: Deletion.
Coding change: c.1325del on transcript NM_001015880.2 (MANE Select); coding-DNA position 1325, one base deleted (C; older notation c.1325delC).
Protein change: p.Pro442fs; shifts the reading frame from proline 442.
Molecular consequence: frameshift variant.
Genome position (GRCh38, 1-based): chr10:87,743,475, C deleted; the last of 3 consecutive C bases (chr10:87,743,473-87,743,475); deleting any one gives the same sequence. VCF-style (leftmost placement, unchanged base first): chr10-87743472-AC-A. GRCh37 (hg19) VCF-style: chr10-89503229-AC-A.
Other names: c.1310del, p.Pro437fs (NM_004670.4); short protein forms P437fs, P442fs.
Identifiers: ClinVar variation 4880569 (VCV004880569.2).

ClinVar aggregate classification (germline): Likely pathogenic (1 of 4 stars; one submission).

Submission:

Dasa
Classification: Likely pathogenic. Last evaluated: 2025-04-19. Review status: criteria provided, single submitter. Criteria: DASA Assertion Criteria. Collection method: clinical testing. Allele origin: germline.
Comment: NM_001015880.2(PAPSS2):c.1325del (p.Pro442Argfs*19) is a frameshift variant in PAPSS2 predicted to alter the reading frame and introduce a premature termination codon and is predicted to result in an absent or altered protein product. Loss of function is an established disease mechanism for PAPSS2-associated disorders. Also, this variant is absent from population databases. Based on the currently available evidence, this variant is classified as likely pathogenic.